The following is an entry in ClinVar:

NM_004656.4(BAP1):c.2180A>G (p.Lys727Arg)

Gene: BAP1 (BRCA1 associated deubiquitinase 1; minus strand). Cytogenetic location: 3p21.1.
Variant type: single nucleotide variant.
Coding change: c.2180A>G on transcript NM_004656.4 (MANE Select); coding-DNA position 2180, A replaced by G.
Protein change: p.Lys727Arg; replaces lysine 727 with arginine.
Molecular consequence: missense variant.
Genome position (GRCh38, 1-based): chr3:52,402,298, T>C on the plus strand (A>G on the coding strand, the complement: BAP1 is on the minus strand). VCF-style: chr3-52402298-T-C. GRCh37 (hg19) VCF-style: chr3-52436314-T-C.
Other names: c.2180A>G (NM_004656.3); c.2126A>G, p.Lys709Arg (NM_001410772.1); short protein forms K709R, K727R.
Identifiers: ClinVar variation 1976367 (VCV001976367.7), dbSNP rs2471318308, ClinGen allele CA353093883.

ClinVar aggregate classification (germline): Uncertain significance. Review status: criteria provided, multiple submitters, no conflicts (2 of 4 stars). 3 submissions from 3 submitters: Uncertain significance (3). Last evaluated 2025-08-09.

Conditions:
BAP1-related tumor predisposition syndrome (TPDS1). Also called: COMMON Syndrome; TUMOR PREDISPOSITION SYNDROME 1; Tumor susceptibility linked to germline BAP1 mutations; BAP1 tumor predisposition syndrome. Identifiers: Orphanet 289539, MedGen C3280492, MONDO:0013692, OMIM 614327.
Hereditary cancer-predisposing syndrome. Also called: Hereditary Cancer Syndrome; Neoplastic Syndromes, Hereditary; Tumor predisposition; Hereditary neoplastic syndrome. Identifiers: Orphanet 140162, MedGen C0027672, MeSH D009386, MONDO:0015356.

Submissions (3):

Labcorp Genetics (formerly Invitae), Labcorp
Classification: Uncertain significance for BAP1-related tumor predisposition syndrome. Last evaluated: 2025-08-09. Review status: criteria provided, single submitter. Criteria: Invitae Variant Classification Sherloc (09022015). Collection method: clinical testing. Allele origin: germline.
Comment: This sequence change replaces lysine, which is basic and polar, with arginine, which is basic and polar, at codon 727 of the BAP1 protein (p.Lys727Arg). This variant is not present in population databases (gnomAD no frequency). This variant has not been reported in the literature in individuals affected with BAP1-related conditions. ClinVar contains an entry for this variant (Variation ID: 1976367). Invitae Evidence Modeling of protein sequence and biophysical properties (such as structural, functional, and spatial information, amino acid conservation, physicochemical variation, residue mobility, and thermodynamic stability) indicates that this missense variant is not expected to disrupt BAP1 protein function with a negative predictive value of 80%. In summary, the available evidence is currently insufficient to determine the role of this variant in disease. Therefore, it has been classified as a Variant of Uncertain Significance.

Ambry Genetics
Classification: Uncertain significance for Hereditary cancer-predisposing syndrome. Last evaluated: 2024-03-28. Review status: criteria provided, single submitter. Criteria: Ambry Variant Classification Scheme 2023. Collection method: clinical testing. Allele origin: germline.
Comment: The p.K727R variant (also known as c.2180A>G), located in coding exon 17 of the BAP1 gene, results from an A to G substitution at nucleotide position 2180. The lysine at codon 727 is replaced by arginine, an amino acid with highly similar properties. This amino acid position is conserved. In addition, this alteration is predicted to be tolerated by in silico analysis. Based on the available evidence, the clinical significance of this alteration remains unclear.

Quest Diagnostics Nichols Institute San Juan Capistrano
Classification: Uncertain significance. Last evaluated: 2022-11-18. Review status: criteria provided, single submitter. Criteria: Quest Diagnostics criteria. Collection method: clinical testing. Allele origin: unknown.
Comment: This variant has not been reported in the published literature. It also has not been reported in large, multi-ethnic general populations. Analysis of this variant using bioinformatics tools for the prediction of the effect of amino acid changes on protein structure and function yielded conflicting predictions that this variant is benign or damaging. Based on the available information, we are unable to determine the clinical significance of this variant.